The following is an entry in ClinVar:

NM_020435.4(GJC2):c.947C>T (p.Pro316Leu)

Gene: GJC2 (gap junction protein gamma 2; plus strand). Cytogenetic location: 1q42.13.
Variant type: single nucleotide variant.
Coding change: c.947C>T on transcript NM_020435.4 (MANE Select); coding-DNA position 947, C replaced by T.
Protein change: p.Pro316Leu; replaces proline 316 with leucine.
Molecular consequence: missense variant.
Genome position (GRCh38, 1-based): chr1:228,158,705, C>T. VCF-style: chr1-228158705-C-T. GRCh37 (hg19) VCF-style: chr1-228346406-C-T.
Other names: short protein forms P316L.
Identifiers: ClinVar variation 235661 (VCV000235661.22), dbSNP rs760502262, ClinGen allele CA1430934.

ClinVar aggregate classification (germline): Conflicting classifications of pathogenicity. Review status: criteria provided, conflicting classifications (1 of 4 stars). 7 submissions from 7 submitters: Uncertain significance (1); Benign (4); Likely benign (2). Last evaluated 2026-08-01.

Conditions:
Spastic paraplegia. Identifiers: MedGen C0037772, HP:0001258.
Hereditary spastic paraplegia. Also called: Familial spastic paraparesis. Identifiers: Orphanet 685, MedGen C0037773, MONDO:0019064. Disease mechanism: loss of function.

Allele frequency attached by ClinVar (database versions not stated): ExAC 0.00174; TOPMed 0.00722; gnomAD 0.00823; 1000 Genomes Project 30x 0.00874.
gnomAD v4.1: 1,598 of 1,179,386 alleles (0.14%); highest among the groups gnomAD compares: African/African-American, 2.5%; 16 homozygotes.

Submissions (7):

CeGaT Center for Human Genetics Tuebingen
Classification: Benign. Last evaluated: 2026-08-01. Review status: criteria provided, single submitter. Criteria: CeGaT Center For Human Genetics Tuebingen Variant Classification Criteria Version 2. Collection method: clinical testing. Allele origin: germline. Affected: yes. Observed: 1 variant allele.
Comment: GJC2: PP3, BS1, BS2

Labcorp Genetics (formerly Invitae), Labcorp
Classification: Benign for Spastic paraplegia. Last evaluated: 2026-01-26. Review status: criteria provided, single submitter. Criteria: Invitae Variant Classification Sherloc (09022015). Collection method: clinical testing. Allele origin: germline.

Blueprint Genetics
Classification: Likely benign. Last evaluated: 2024-11-25. Review status: criteria provided, single submitter. Criteria: ACMG Guidelines, 2015. Collection method: clinical testing. Allele origin: germline.

Genome Diagnostics Laboratory, The Hospital for Sick Children
Classification: Likely benign for Hereditary spastic paraplegia. Last evaluated: 2021-05-14. Review status: criteria provided, single submitter. Criteria: ACMG Guidelines, 2015. Collection method: clinical testing. Allele origin: germline. Affected: yes.

Mayo Clinic Laboratories, Mayo Clinic
Classification: Benign. Last evaluated: 2020-04-06. Review status: criteria provided, single submitter. Criteria: ACMG Guidelines, 2015. Collection method: clinical testing. Allele origin: germline. Observed: 3 variant alleles.

GeneDx
Classification: Benign. Last evaluated: 2019-01-17. Review status: criteria provided, single submitter. Criteria: GeneDx Variant Classification Process June 2021. Collection method: clinical testing. Allele origin: germline. Affected: yes.
Comment: This variant is associated with the following publications: (PMID: 24457200, 28732089, 20537300)

Center for Pediatric Genomic Medicine, Children's Mercy Hospital and Clinics
Classification: Uncertain significance. Last evaluated: 2016-01-11. Review status: criteria provided, single submitter. Criteria: ACMG Guidelines, 2015. Collection method: clinical testing. Allele origin: germline.
ClinVar note: Converted during submission from Uncertain Significance to Uncertain significance.